The following is an entry in ClinVar:

ClinVar aggregate classification (germline): Pathogenic (1 of 4 stars; one submission).

Conditions:
Gorlin syndrome. Also called: Nevoid Basal Cell Carcinoma Syndrome; Basal cell nevus syndrome. Identifiers: Orphanet 377, MedGen C0004779, MONDO:0007187.

Submission:

Labcorp Genetics (formerly Invitae), Labcorp
Classification: Pathogenic for Gorlin syndrome. Last evaluated: 2023-01-24. Review status: criteria provided, single submitter. Criteria: Invitae Variant Classification Sherloc (09022015). Collection method: clinical testing. Allele origin: germline.
Comment: For these reasons, this variant has been classified as Pathogenic. Algorithms developed to predict the effect of sequence changes on RNA splicing suggest that this variant may create or strengthen a splice site. This variant has not been reported in the literature in individuals affected with PTCH1-related conditions. This variant is not present in population databases (gnomAD no frequency). This sequence change creates a premature translational stop signal (p.Tyr1013Leufs*132) in the PTCH1 gene. It is expected to result in an absent or disrupted protein product. Loss-of-function variants in PTCH1 are known to be pathogenic (PMID: 16301862, 16419085).

Literature cited by the submitters: PubMed 16301862; PubMed 16419085.

NM_000264.5(PTCH1):c.3037dup (p.Tyr1013fs)

Gene: PTCH1 (patched 1; minus strand). Cytogenetic location: 9q22.32.
Variant type: Duplication.
Coding change: c.3037dup on transcript NM_000264.5 (MANE Select); coding-DNA position 3037, one base duplicated (T; older notation c.3037dupT).
Protein change: p.Tyr1013fs; shifts the reading frame from tyrosine 1013.
Molecular consequence: frameshift variant. On other transcripts: non-coding transcript variant (1).
Genome position (GRCh38, 1-based): chr9:95,458,144, A duplicated on the plus strand (T on the coding strand, the reverse complement: PTCH1 is on the minus strand). VCF-style (leftmost placement, unchanged base first): chr9-95458143-T-TA. GRCh37 (hg19) VCF-style: chr9-98220425-T-TA.
Other names: c.2839dup, p.Tyr947fs (NM_001083602.3); c.3034dup, p.Tyr1012fs (NM_001083603.3); c.2584dup, p.Tyr862fs (NM_001083604.3, NM_001083605.3, NM_001083606.3 and 1 more transcripts); c.2881dup, p.Tyr961fs (NM_001354918.2); short protein forms Y947fs, Y1012fs, Y1013fs, Y862fs, Y961fs.
Identifiers: ClinVar variation 2831387 (VCV002831387.3), dbSNP rs2538068196, ClinGen allele CA2739269413.